The following is an entry in ClinVar:

NM_001042463.3(TMEM80):c.8C>T (p.Ala3Val)

Genes: DEAF1 (DEAF1 transcription factor; minus strand), TMEM80 (transmembrane protein 80; plus strand). Cytogenetic location: 11p15.5.
Variant type: single nucleotide variant.
Coding change: c.8C>T on transcript NM_001042463.3 (MANE Select); coding-DNA position 8, C replaced by T.
Protein change: p.Ala3Val; replaces alanine 3 with valine.
Molecular consequence: missense variant. On other transcripts: intron variant (3).
Genome position (GRCh38, 1-based): chr11:695,835, C>T. VCF-style: chr11-695835-C-T. GRCh37 (hg19) VCF-style: chr11-695835-C-T.
Other names: c.8C>T, p.Ala3Val (NM_001276253.2, NM_001276274.2); c.-437-4237G>A (NM_001367390.1); c.-42+13C>T (NM_174940.4); c.70+13C>T (NM_001384408.1); short protein forms A3V.
Identifiers: ClinVar variation 2348330 (VCV002348330.15), dbSNP rs576304398, ClinGen allele CA216913816.
Genomic context (GRCh38, chr11:695,835, plus strand): 5'-GCGGGCCGAGAGGCTGCCGGGATCGCGACGGACCGGCGGGCGGGGCGGGTAAGATGGCGG[C>T]CCCGCGGCGAGGTGAGCTCGGGCGGGGTGGGGGCTTCCGGGCTTGCAGCGGCGGGCGCGG-3'
Protein context (NP_001035928.3, residues 1-13): MA[Ala3Val]PRRGRGSSTV

ClinVar aggregate classification (germline): Conflicting classifications of pathogenicity. Review status: criteria provided, conflicting classifications (1 of 4 stars). 2 submissions from 2 submitters: Uncertain significance (1); Likely benign (1). Last evaluated 2026-06-01.

Allele frequency attached by ClinVar (database versions not stated): gnomAD 0.00173; TOPMed 0.00173; gnomAD exomes 0.00314; 1000 Genomes Project 30x 0.00047; 1000 Genomes Project 0.00080.
gnomAD v4.1: 3,677 of 1,230,370 alleles (0.3%); highest among the groups gnomAD compares: Non-Finnish European, 0.34%; 11 homozygotes.

Submissions (2):

CeGaT Center for Human Genetics Tuebingen
Classification: Likely benign. Last evaluated: 2026-06-01. Review status: criteria provided, single submitter. Criteria: CeGaT Center For Human Genetics Tuebingen Variant Classification Criteria Version 2. Collection method: clinical testing. Allele origin: germline. Affected: yes. Observed: 7 variant alleles.
Comment: TMEM80: BS2

Ambry Genetics
Classification: Uncertain significance. Last evaluated: 2021-08-30. Review status: criteria provided, single submitter. Criteria: Ambry Variant Classification Scheme 2023. Collection method: clinical testing. Allele origin: germline.